The following is an entry in ClinVar:

ClinVar aggregate classification (germline): Uncertain significance (1 of 4 stars; one submission).

Submission:

GeneDx
Classification: Uncertain significance. Last evaluated: 2019-08-29. Review status: criteria provided, single submitter. Criteria: GeneDx Variant Classification Process June 2021. Collection method: clinical testing. Allele origin: germline. Affected: yes.
Comment: Not observed in large population cohorts (Lek et al., 2016); In silico analysis, which includes protein predictors and evolutionary conservation, supports a deleterious effect; In silico analysis, which includes splice predictors and evolutionary conservation, suggests this variant may impact gene splicing. In the absence of RNA/functional studies, the actual effect of this sequence change is unknown.; Variants in candidate genes are classified as variants of uncertain significance in accordance with ACMG guidelines (Richards et al., 2015); Has not been previously published as pathogenic or benign to our knowledge; This variant is associated with the following publications: (PMID: 33513338)

NM_002971.6(SATB1):c.1576G>A (p.Gly526Arg)

Gene: SATB1 (SATB homeobox 1; minus strand). Cytogenetic location: 3p24.3.
Variant type: single nucleotide variant.
Coding change: c.1576G>A on transcript NM_002971.6 (MANE Select); coding-DNA position 1576, G replaced by A.
Protein change: p.Gly526Arg; replaces glycine 526 with arginine.
Molecular consequence: missense variant.
Genome position (GRCh38, 1-based): chr3:18,352,195, C>T on the plus strand (G>A on the coding strand, the complement: SATB1 is on the minus strand). VCF-style: chr3-18352195-C-T. GRCh37 (hg19) VCF-style: chr3-18393687-C-T.
Other names: c.1576G>A, p.Gly526Arg (NM_001131010.4, NM_001195470.3, NM_001322871.2 and 4 more transcripts); c.1360G>A, p.Gly454Arg (NM_001322876.2); short protein forms G454R, G526R.
Identifiers: ClinVar variation 1318846 (VCV001318846.2), dbSNP rs2125128988, ClinGen allele CA351855167.